The following is an entry in ClinVar:

ClinVar aggregate classification (germline): Pathogenic (1 of 4 stars; one submission).

Conditions:
Fraser syndrome 1 (FRASRS1). Also called: CRYPTOPHTHALMOS WITH OTHER MALFORMATIONS. Identifiers: Orphanet 2052, MedGen C4551480, MONDO:0054737, OMIM 219000.

Allele frequency attached by ClinVar (database versions not stated): gnomAD exomes below 0.00001.
gnomAD v4.1: 1 of 1,607,090 alleles (0.000062%); highest among the groups gnomAD compares: African/African-American, 0.0013%; no homozygotes.

Submission:

Service de Biochimie Médicale et Biologie Moléculaire, CHU Clermont-Ferrand
Classification: Pathogenic for Fraser syndrome 1. Last evaluated: 2018-09-14. Review status: criteria provided, single submitter. Criteria: ACMG Guidelines, 2015. Collection method: clinical testing. Allele origin: germline. Inheritance: Autosomal recessive inheritance. Affected: yes.
Comment: This variant in homozygous state or compound heterozygous state induced Fraser syndrome phenotype

NM_025074.7(FRAS1):c.10541-1G>A

Gene: FRAS1 (Fraser extracellular matrix complex subunit 1; plus strand). Cytogenetic location: 4q21.21.
Variant type: single nucleotide variant.
Coding change: c.10541-1G>A on transcript NM_025074.7 (MANE Select); the canonical splice acceptor site of the intron before coding-DNA position 10541, G replaced by A.
Molecular consequence: splice acceptor variant.
Genome position (GRCh38, 1-based): chr4:78,521,522, G>A. VCF-style: chr4-78521522-G-A. GRCh37 (hg19) VCF-style: chr4-79442676-G-A.
Identifiers: ClinVar variation 916668 (VCV000916668.1), dbSNP rs1721385740, ClinGen allele CA357389473.